The following is an entry in ClinVar:

NM_006231.4(POLE):c.4646C>G (p.Pro1549Arg)

Gene: POLE (DNA polymerase epsilon, catalytic subunit; minus strand). Cytogenetic location: 12q24.33.
Variant type: single nucleotide variant.
Coding change: c.4646C>G on transcript NM_006231.4 (MANE Select); coding-DNA position 4646, C replaced by G.
Protein change: p.Pro1549Arg; replaces proline 1549 with arginine.
Molecular consequence: missense variant.
Genome position (GRCh38, 1-based): chr12:132,642,902, G>C on the plus strand (C>G on the coding strand, the complement: POLE is on the minus strand). VCF-style: chr12-132642902-G-C. GRCh37 (hg19) VCF-style: chr12-133219488-G-C.
Other names: short protein forms P1549R.
Identifiers: ClinVar variation 473681 (VCV000473681.28), dbSNP rs577952179, ClinGen allele CA6892755.

ClinVar aggregate classification (germline): Conflicting classifications of pathogenicity. Review status: criteria provided, conflicting classifications (1 of 4 stars). 7 submissions from 7 submitters: Uncertain significance (6); Likely benign (1). Last evaluated 2026-02-02.

Conditions:
Colorectal cancer, susceptibility to, 12 (CRCS12). Also called: COLORECTAL CANCER, SUSCEPTIBILITY TO, ON CHROMOSOME 12q24. Identifiers: Orphanet 220460, MedGen C3554460, MONDO:0014038, OMIM 615083.
POLE-related disorder. Also called: POLE-related disorders; POLE-related condition.
Hereditary cancer-predisposing syndrome. Also called: Neoplastic Syndromes, Hereditary; Tumor predisposition; Hereditary Cancer Syndrome; Hereditary neoplastic syndrome. Identifiers: Orphanet 140162, MedGen C0027672, MeSH D009386, MONDO:0015356.

Allele frequency attached by ClinVar (database versions not stated): gnomAD 0.00001; TOPMed 0.00004; 1000 Genomes Project 30x 0.00016; 1000 Genomes Project 0.00020.
gnomAD v4.1: 16 of 1,613,712 alleles (0.00099%); highest among the groups gnomAD compares: Admixed American, 0.015%; no homozygotes.

Submissions (7):

Labcorp Genetics (formerly Invitae), Labcorp
Classification: Uncertain significance. Last evaluated: 2026-02-02. Review status: criteria provided, single submitter. Criteria: Invitae Variant Classification Sherloc (09022015). Collection method: clinical testing. Allele origin: germline.
Comment: This sequence change replaces proline, which is neutral and non-polar, with arginine, which is basic and polar, at codon 1549 of the POLE protein (p.Pro1549Arg). This variant is present in population databases (rs577952179, gnomAD 0.02%). This variant has not been reported in the literature in individuals affected with POLE-related conditions. ClinVar contains an entry for this variant (Variation ID: 473681). Invitae Evidence Modeling of protein sequence and biophysical properties (such as structural, functional, and spatial information, amino acid conservation, physicochemical variation, residue mobility, and thermodynamic stability) indicates that this missense variant is not expected to disrupt POLE protein function with a negative predictive value of 80%. In summary, the available evidence is currently insufficient to determine the role of this variant in disease. Therefore, it has been classified as a Variant of Uncertain Significance.

Ambry Genetics
Classification: Likely benign for Hereditary cancer-predisposing syndrome. Last evaluated: 2024-10-17. Review status: criteria provided, single submitter. Criteria: Ambry Variant Classification Scheme 2023. Collection method: clinical testing. Allele origin: germline.

GeneDx
Classification: Uncertain significance. Last evaluated: 2023-09-29. Review status: criteria provided, single submitter. Criteria: GeneDx Variant Classification Process June 2021. Collection method: clinical testing. Allele origin: germline. Affected: yes.
Comment: In silico analysis supports that this missense variant does not alter protein structure/function; Has not been previously published as pathogenic or benign to our knowledge; This variant is associated with the following publications: (PMID: 31034466)

PreventionGenetics, part of Exact Sciences
Classification: Uncertain significance for POLE-related condition. Last evaluated: 2022-11-30. Review status: criteria provided, single submitter. Criteria: ACMG Guidelines, 2015. Collection method: clinical testing. Allele origin: germline.
Comment: The POLE c.4646C>G variant is predicted to result in the amino acid substitution p.Pro1549Arg. To our knowledge, this variant has not been reported in the literature in individuals with POLE-related disorders. This variant is reported in 0.020% of alleles in individuals of Latino descent in gnomAD and is interpreted as uncertain in ClinVar. At this time, the clinical significance of this variant is uncertain due to the absence of conclusive functional and genetic evidence.

St. Jude Molecular Pathology, St. Jude Children's Research Hospital
Classification: Uncertain significance for Colorectal cancer, susceptibility to, 12. Last evaluated: 2022-05-03. Review status: criteria provided, single submitter. Criteria: St. Jude Assertion Criteria 2020. Collection method: clinical testing. Allele origin: germline.
Comment: The POLE c.4646C>G (p.Pro1549Arg) missense change has a maximum subpopulation frequency of 0.02% in gnomAD v2.1.1. In silico tools predict a benign effect of this variant on protein function (BP4), but to our knowledge these predictions have not been confirmed by functional assays. To our knowledge, this variant has not been reported in the literature in individuals with POLE-related disease. This variant has been identified in tumors with low mutational burden (PMID: 29056344). In summary, this variant meets criteria to be classified as of uncertain significance based on the ACMG/AMP criteria: BP4.

Institute for Clinical Genetics, University Hospital TU Dresden, University Hospital TU Dresden
Classification: Uncertain significance. Last evaluated: 2021-11-03. Review status: criteria provided, single submitter. Criteria: ACMG Guidelines, 2015. Collection method: clinical testing. Allele origin: germline.

Quest Diagnostics Nichols Institute San Juan Capistrano
Classification: Uncertain significance. Last evaluated: 2019-05-10. Review status: criteria provided, single submitter. Criteria: Quest Diagnostics criteria. Collection method: clinical testing. Allele origin: germline.